The following is an entry in ClinVar:

NM_024422.6(DSC2):c.1980T>C (p.Ser660=)

Gene: DSC2 (desmocollin 2; minus strand). Cytogenetic location: 18q12.1.
Variant type: single nucleotide variant.
Coding change: c.1980T>C on transcript NM_024422.6 (MANE Select); coding-DNA position 1980, T replaced by C.
Protein change: p.Ser660=; no amino-acid change (serine 660 retained).
Molecular consequence: synonymous variant.
Genome position (GRCh38, 1-based): chr18:31,071,750, A>G on the plus strand (T>C on the coding strand, the complement: DSC2 is on the minus strand). VCF-style: chr18-31071750-A-G. GRCh37 (hg19) VCF-style: chr18-28651716-A-G.
Other names: c.1980T>C, p.Ser660= (NM_004949.5).
Identifiers: ClinVar variation 927710 (VCV000927710.8), dbSNP rs1986841255, ClinGen allele CA503527795.

ClinVar aggregate classification (germline): Likely benign. Review status: criteria provided, multiple submitters, no conflicts (2 of 4 stars). 3 submissions from 3 submitters: Likely benign (3). Last evaluated 2025-01-07.

Conditions:
Cardiomyopathy (CMYO). Also called: Cardiomyopathies. Identifiers: Orphanet 167848, MedGen C0878544, MONDO:0004994, HP:0001638. Inheritance: Various modes of inheritance.
Familial isolated arrhythmogenic right ventricular dysplasia. Identifiers: Orphanet 217656, MedGen C4274968, MONDO:0016342.
Arrhythmogenic right ventricular dysplasia 11. Also called: Arrhythmogenic Right Ventricular Dysplasia/Cardiomyopathy11; ARRHYTHMOGENIC RIGHT VENTRICULAR DYSPLASIA, FAMILIAL, 11; Arrhythmogenic right ventricular dysplasia 11 with mild palmoplantar keratoderma and woolly hair. Identifiers: MedGen C1864850, MONDO:0012506, OMIM 610476.

Allele frequency attached by ClinVar (database versions not stated): gnomAD exomes below 0.00001.
gnomAD v4.1: 5 of 1,613,948 alleles (0.00031%); highest among the groups gnomAD compares: Non-Finnish European, 0.00025%; no homozygotes.

Submissions (3):

Labcorp Genetics (formerly Invitae), Labcorp
Classification: Likely benign for Arrhythmogenic right ventricular dysplasia 11. Last evaluated: 2025-01-07. Review status: criteria provided, single submitter. Criteria: Invitae Variant Classification Sherloc (09022015). Collection method: clinical testing. Allele origin: germline.

All of Us Research Program, National Institutes of Health
Classification: Likely benign for Familial isolated arrhythmogenic right ventricular dysplasia. Last evaluated: 2024-06-11. Review status: criteria provided, single submitter. Criteria: ACMG Guidelines, 2015. Collection method: clinical testing. Allele origin: germline. Inheritance: Autosomal dominant inheritance. Observed: 1 variant allele, 1 heterozygote.
Comment: This study involves interpretation of variants in research participants for the purpose of population health screening. Participant phenotype was not available at the time of variant classification. Additional details can be found in publication PMID: 35346344, PMCID: PMC8962531

Color Diagnostics, LLC DBA Color Health
Classification: Likely benign for Cardiomyopathy. Last evaluated: 2019-08-14. Review status: criteria provided, single submitter. Criteria: ACMG Guidelines, 2015. Collection method: clinical testing. Allele origin: germline.